The following is an entry in ClinVar:

ClinVar aggregate classification (germline): Conflicting classifications of pathogenicity. Review status: criteria provided, conflicting classifications (1 of 4 stars). 4 submissions from 4 submitters: Likely pathogenic (3); Uncertain significance (1). Last evaluated 2025-09-01.

Conditions:
Autosomal recessive Alport syndrome (ATS2). Also called: ALPORT SYNDROME 2, AUTOSOMAL RECESSIVE; COL4A3-Related Nephropathy; Alport syndrome type 2; COL4A4 Alport Syndrome and Thin Basement Membrane Nephropathy. Identifiers: Orphanet 63, Orphanet 88919, MedGen C4746745, MONDO:0008762, OMIM 203780.
Hematuria, benign familial, 1 (BFH1). Also called: THIN MEMBRANE NEPHROPATHY. Identifiers: MedGen CN376803, MONDO:0007709, OMIM 141200.
Alport syndrome. Also called: Hemorrhagic familial nephritis; Hemorrhagic hereditary nephritis; Congenital hereditary hematuria. Identifiers: Orphanet 63, MedGen C1567741, MONDO:0018965.

gnomAD v4.1: 3 of 1,613,866 alleles (0.00019%); highest among the groups gnomAD compares: Admixed American, 0.0033%; no homozygotes.

Submissions (4):

Labcorp Genetics (formerly Invitae), Labcorp
Classification: Uncertain significance. Last evaluated: 2025-09-01. Review status: criteria provided, single submitter. Criteria: Invitae Variant Classification Sherloc (09022015). Collection method: clinical testing. Allele origin: germline.
Comment: This sequence change replaces glycine, which is neutral and non-polar, with serine, which is neutral and polar, at codon 1346 of the COL4A4 protein (p.Gly1346Ser). This variant is not present in population databases (gnomAD no frequency). This variant has not been reported in the literature in individuals affected with COL4A4-related conditions. ClinVar contains an entry for this variant (Variation ID: 2176985). Invitae Evidence Modeling of protein sequence and biophysical properties (such as structural, functional, and spatial information, amino acid conservation, physicochemical variation, residue mobility, and thermodynamic stability) indicates that this missense variant is expected to disrupt COL4A4 protein function with a positive predictive value of 95%. In summary, the available evidence is currently insufficient to determine the role of this variant in disease. Therefore, it has been classified as a Variant of Uncertain Significance.

Natera, Inc.
Classification: Likely pathogenic for Alport syndrome. Last evaluated: 2025-08-21. Review status: criteria provided, single submitter. Criteria: Natera Variant Classification Schema (03/2026). Collection method: clinical testing. Allele origin: germline.
Comment: The c.4036G>A variant in COL4A4 is a missense variant predicted to cause substitution of glycine to serine at amino acid 1346. This variant is rare in the general population with a frequency below the threshold expected for the associated phenotype(s). This variant is located in a functionally critical region of the protein. Computational prediction algorithms indicate this variant is likely to affect gene or protein function. Given the available evidence, this variant is classified as Likely Pathogenic.

GeneDx
Classification: Likely pathogenic. Last evaluated: 2025-05-21. Review status: criteria provided, single submitter. Criteria: GeneDx Variant Classification Process June 2021. Collection method: clinical testing. Allele origin: germline. Affected: yes.
Comment: Affects a glycine residue in a Gly-X-Y motif in the triple helical region of the COL4A4 gene, where the majority of pathogenic missense variants occur, and is predicted to disrupt normal protein folding and function (HGMD; PMID: 10752524); Not observed at significant frequency in large population cohorts (gnomAD); In silico analysis supports that this missense variant has a deleterious effect on protein structure/function; Has not been previously published as pathogenic or benign to our knowledge; This variant is associated with the following publications: (PMID: 10752524)

Fulgent Genetics
Classification: Likely pathogenic for Hematuria, benign familial, 1; Autosomal recessive Alport syndrome. Last evaluated: 2024-01-03. Review status: criteria provided, single submitter. Criteria: ACMG Guidelines, 2015. Collection method: clinical testing. Allele origin: germline.

NM_000092.5(COL4A4):c.4036G>A (p.Gly1346Ser)

Gene: COL4A4 (collagen type IV alpha 4 chain; minus strand). Cytogenetic location: 2q36.3.
Variant type: single nucleotide variant.
Coding change: c.4036G>A on transcript NM_000092.5 (MANE Select); coding-DNA position 4036, G replaced by A.
Protein change: p.Gly1346Ser; replaces glycine 1346 with serine.
Molecular consequence: missense variant.
Genome position (GRCh38, 1-based): chr2:227,027,947, C>T on the plus strand (G>A on the coding strand, the complement: COL4A4 is on the minus strand). VCF-style: chr2-227027947-C-T. GRCh37 (hg19) VCF-style: chr2-227892663-C-T.
Other names: short protein forms G1346S.
Identifiers: ClinVar variation 2176985 (VCV002176985.5), dbSNP rs770838029, ClinGen allele CA350837015.